The following is an entry in ClinVar:

NM_001851.6(COL9A1):c.1180G>T (p.Gly394Cys)

Genes: COL9A1 (collagen type IX alpha 1 chain; minus strand), LOC129996692 (ATAC-STARR-seq lymphoblastoid active region 24730; plus strand). Cytogenetic location: 6q13.
Variant type: single nucleotide variant.
Coding change: c.1180G>T on transcript NM_001851.6 (MANE Select); coding-DNA position 1180, G replaced by T.
Protein change: p.Gly394Cys; replaces glycine 394 with cysteine.
Molecular consequence: missense variant. On other transcripts: non-coding transcript variant (1).
Genome position (GRCh38, 1-based): chr6:70,270,331, C>A on the plus strand (G>T on the coding strand, the complement: COL9A1 is on the minus strand). VCF-style: chr6-70270331-C-A. GRCh37 (hg19) VCF-style: chr6-70980034-C-A.
Other names: c.451G>T, p.Gly151Cys (NM_001377289.1, NM_001377290.1, NM_078485.4); short protein forms G151C, G394C.
Identifiers: ClinVar variation 2008060 (VCV002008060.4), dbSNP rs1283598141, ClinGen allele CA364681197.

ClinVar aggregate classification (germline): Uncertain significance (1 of 4 stars; one submission).

Allele frequency attached by ClinVar (database versions not stated): gnomAD 0.00001; gnomAD exomes 0.00001.
gnomAD v4.1: 11 of 1,613,390 alleles (0.00068%); highest among the groups gnomAD compares: African/African-American, 0.0013%; no homozygotes.

Submission:

Labcorp Genetics (formerly Invitae), Labcorp
Classification: Uncertain significance. Last evaluated: 2022-07-21. Review status: criteria provided, single submitter. Criteria: Invitae Variant Classification Sherloc (09022015). Collection method: clinical testing. Allele origin: germline.
Comment: This sequence change replaces glycine, which is neutral and non-polar, with cysteine, which is neutral and slightly polar, at codon 394 of the COL9A1 protein (p.Gly394Cys). This variant is present in population databases (no rsID available, gnomAD 0.0009%). This variant has not been reported in the literature in individuals affected with COL9A1-related conditions. Advanced modeling of protein sequence and biophysical properties (such as structural, functional, and spatial information, amino acid conservation, physicochemical variation, residue mobility, and thermodynamic stability) performed at Invitae indicates that this missense variant is expected to disrupt COL9A1 protein function. In summary, the available evidence is currently insufficient to determine the role of this variant in disease. Therefore, it has been classified as a Variant of Uncertain Significance.